The following is an entry in ClinVar:

ClinVar aggregate classification (germline): Uncertain significance. Review status: criteria provided, multiple submitters, no conflicts (2 of 4 stars). 2 submissions from 2 submitters: Uncertain significance (2). Last evaluated 2022-09-12.

Conditions:
Inborn genetic diseases. Identifiers: MedGen C0950123, MeSH D030342.

Allele frequency attached by ClinVar (database versions not stated): ExAC 0.00002; gnomAD 0.00003 and 0.00004; gnomAD exomes 0.00003.
gnomAD v4.1: 73 of 1,613,910 alleles (0.0045%); highest among the groups gnomAD compares: Non-Finnish European, 0.0058%; no homozygotes.

Submissions (2):

Ambry Genetics
Classification: Uncertain significance for Inborn genetic diseases. Last evaluated: 2022-09-12. Review status: criteria provided, single submitter. Criteria: Ambry Variant Classification Scheme 2023. Collection method: clinical testing. Allele origin: germline.
Comment: The p.R166H variant (also known as c.497G>A), located in coding exon 7 of the ERCC2 gene, results from a G to A substitution at nucleotide position 497. The arginine at codon 166 is replaced by histidine, an amino acid with highly similar properties. This amino acid position is conserved. In addition, the in silico prediction for this alteration is inconclusive. Since supporting evidence is limited at this time, the clinical significance of this alteration remains unclear.

Labcorp Genetics (formerly Invitae), Labcorp
Classification: Uncertain significance. Last evaluated: 2022-07-30. Review status: criteria provided, single submitter. Criteria: Invitae Variant Classification Sherloc (09022015). Collection method: clinical testing. Allele origin: germline.
Comment: This sequence change replaces arginine, which is basic and polar, with histidine, which is basic and polar, at codon 166 of the ERCC2 protein (p.Arg166His). This variant is present in population databases (rs747109257, gnomAD 0.006%). This variant has not been reported in the literature in individuals affected with ERCC2-related conditions. ClinVar contains an entry for this variant (Variation ID: 1391932). Algorithms developed to predict the effect of missense changes on protein structure and function are either unavailable or do not agree on the potential impact of this missense change (SIFT: "Tolerated"; PolyPhen-2: "Possibly Damaging"; Align-GVGD: "Class C0"). In summary, the available evidence is currently insufficient to determine the role of this variant in disease. Therefore, it has been classified as a Variant of Uncertain Significance.

NM_000400.4(ERCC2):c.497G>A (p.Arg166His)

Gene: ERCC2 (ERCC excision repair 2, TFIIH core complex helicase subunit; minus strand). Cytogenetic location: 19q13.32.
Variant type: single nucleotide variant.
Coding change: c.497G>A on transcript NM_000400.4 (MANE Select); coding-DNA position 497, G replaced by A.
Protein change: p.Arg166His; replaces arginine 166 with histidine.
Molecular consequence: missense variant.
Genome position (GRCh38, 1-based): chr19:45,364,935, C>T on the plus strand (G>A on the coding strand, the complement: ERCC2 is on the minus strand). VCF-style: chr19-45364935-C-T. GRCh37 (hg19) VCF-style: chr19-45868193-C-T.
Other names: c.425G>A, p.Arg142His (NM_001130867.2); short protein forms R166H, R142H.
Identifiers: ClinVar variation 1391932 (VCV001391932.5), dbSNP rs747109257, ClinGen allele CA9513761.